The following is an entry in ClinVar:

ClinVar aggregate classification (germline): Uncertain significance (1 of 4 stars; one submission).

gnomAD v4.1: 1 of 1,614,080 alleles (0.000062%); highest among the groups gnomAD compares: South Asian, 0.0011%; no homozygotes.

Submission:

Labcorp Genetics (formerly Invitae), Labcorp
Classification: Uncertain significance. Last evaluated: 2024-05-29. Review status: criteria provided, single submitter. Criteria: Invitae Variant Classification Sherloc (09022015). Collection method: clinical testing. Allele origin: germline.
Comment: This sequence change creates a premature translational stop signal (p.Ser577*) in the INTU gene. It is expected to result in an absent or disrupted protein product. However, the current clinical and genetic evidence is not sufficient to establish whether loss-of-function variants in INTU cause disease. This variant is not present in population databases (gnomAD no frequency). This variant has not been reported in the literature in individuals affected with INTU-related conditions. In summary, the available evidence is currently insufficient to determine the role of this variant in disease. Therefore, it has been classified as a Variant of Uncertain Significance.

NM_015693.4(INTU):c.1730C>G (p.Ser577Ter)

Gene: INTU (inturned planar cell polarity protein; plus strand). Cytogenetic location: 4q28.1.
Variant type: single nucleotide variant.
Coding change: c.1730C>G on transcript NM_015693.4 (MANE Select); coding-DNA position 1730, C replaced by G.
Protein change: p.Ser577Ter; replaces serine 577 with a stop codon.
Molecular consequence: nonsense.
Genome position (GRCh38, 1-based): chr4:127,705,754, C>G. VCF-style: chr4-127705754-C-G. GRCh37 (hg19) VCF-style: chr4-128626909-C-G.
Other names: short protein forms S577*.
Identifiers: ClinVar variation 3681384 (VCV003681384.2).